The following is an entry in ClinVar:

ClinVar aggregate classification (germline): Uncertain significance. Review status: criteria provided, multiple submitters, no conflicts (2 of 4 stars). 2 submissions from 2 submitters: Uncertain significance (2). Last evaluated 2025-01-06.

Allele frequency attached by ClinVar (database versions not stated): TOPMed below 0.00001.
gnomAD v4.1: 4 of 1,380,784 alleles (0.00029%); highest among the groups gnomAD compares: Admixed American, 0.0077%; no homozygotes.

Submissions (2):

Labcorp Genetics (formerly Invitae), Labcorp
Classification: Uncertain significance. Last evaluated: 2025-01-06. Review status: criteria provided, single submitter. Criteria: Invitae Variant Classification Sherloc (09022015). Collection method: clinical testing. Allele origin: germline.
Comment: This sequence change replaces leucine, which is neutral and non-polar, with phenylalanine, which is neutral and non-polar, at codon 26 of the COL18A1 protein (p.Leu26Phe). The frequency data for this variant in the population databases is considered unreliable, as metrics indicate poor data quality at this position in the gnomAD database. This variant has not been reported in the literature in individuals affected with COL18A1-related conditions. ClinVar contains an entry for this variant (Variation ID: 2180113). Experimental studies and prediction algorithms are not available or were not evaluated, and the functional significance of this variant is currently unknown. In summary, the available evidence is currently insufficient to determine the role of this variant in disease. Therefore, it has been classified as a Variant of Uncertain Significance.

Blueprint Genetics
Classification: Uncertain significance. Last evaluated: 2024-01-29. Review status: criteria provided, single submitter. Criteria: ACMG Guidelines, 2015. Collection method: clinical testing. Allele origin: germline.

NM_001379500.1(COL18A1):c.76C>T (p.Leu26Phe)

Genes: BNAT1 (breast cancer associated ESR1 regulating natural antisense transcript 1; minus strand), COL18A1 (collagen type XVIII alpha 1 chain; plus strand). Cytogenetic location: 21q22.3.
Variant type: single nucleotide variant.
Coding change: c.76C>T on transcript NM_001379500.1 (MANE Select); coding-DNA position 76, C replaced by T.
Protein change: p.Leu26Phe; replaces leucine 26 with phenylalanine.
Molecular consequence: missense variant.
Genome position (GRCh38, 1-based): chr21:45,405,443, C>T. VCF-style: chr21-45405443-C-T. GRCh37 (hg19) VCF-style: chr21-46825358-C-T.
Other names: short protein forms L26F.
Identifiers: ClinVar variation 2180113 (VCV002180113.5), dbSNP rs1170169443, ClinGen allele CA410620395.